The following is an entry in ClinVar:

NM_024664.4(PPCS):c.537G>A (p.Ala179=)

Genes: CCDC30 (coiled-coil domain containing 30; plus strand), PPCS (phosphopantothenoylcysteine synthetase; plus strand). Cytogenetic location: 1p34.2.
Variant type: single nucleotide variant.
Coding change: c.537G>A on transcript NM_024664.4 (MANE Select); coding-DNA position 537, G replaced by A.
Protein change: p.Ala179=; no amino-acid change (alanine 179 retained).
Molecular consequence: synonymous variant. On other transcripts: 5 prime UTR variant (2).
Genome position (GRCh38, 1-based): chr1:42,457,275, G>A. VCF-style: chr1-42457275-G-A. GRCh37 (hg19) VCF-style: chr1-42922946-G-A.
Other names: c.-955G>A (NM_001355226.2); c.18G>A, p.Ala6= (NM_001077447.3, NM_001287506.1, NM_001287508.2 and 2 more transcripts); c.-299G>A (NM_001287507.1); c.537G>A, p.Ala179= (NM_001287511.2).
Identifiers: ClinVar variation 1545608 (VCV001545608.13), dbSNP rs115737664, ClinGen allele CA800009.

ClinVar aggregate classification (germline): Benign/Likely benign. Review status: criteria provided, multiple submitters, no conflicts (2 of 4 stars). 4 submissions from 4 submitters: Benign (2); Likely benign (1). 1 of the submissions does not count toward it. Last evaluated 2026-02-02.

Conditions:
PPCS-related disorder. Also called: PPCS-related condition.

Allele frequency attached by ClinVar (database versions not stated): gnomAD exomes 0.00022 and 0.00062; 1000 Genomes Project 30x 0.00234; gnomAD 0.00198 and 0.00213; 1000 Genomes Project 0.00280; ESP Exome Variant Server 0.00266; ExAC 0.00066.
gnomAD v4.1: 650 of 1,614,124 alleles (0.04%); highest among the groups gnomAD compares: African/African-American, 0.67%; 1 homozygote.

Submissions (11):

Labcorp Genetics (formerly Invitae), Labcorp
Classification: Benign. Last evaluated: 2026-02-02. Review status: criteria provided, single submitter. Criteria: Invitae Variant Classification Sherloc (09022015). Collection method: clinical testing. Allele origin: germline.

Molecular Diagnostic Laboratory for Inherited Cardiovascular Disease, Montreal Heart Institute
Classification: Benign. Last evaluated: 2025-04-09. Review status: criteria provided, single submitter. Criteria: ACMG Guidelines, 2015. Collection method: clinical testing. Allele origin: germline. Affected: no.

Blueprint Genetics
Classification: Likely benign. Last evaluated: 2024-09-13. Review status: criteria provided, single submitter. Criteria: ACMG Guidelines, 2015. Collection method: clinical testing. Allele origin: germline.

PreventionGenetics, part of Exact Sciences
Classification: Likely benign for PPCS-related condition. Last evaluated: 2022-01-28. Review status: no assertion criteria provided. Collection method: clinical testing. Allele origin: germline. Not counted in ClinVar's aggregate classification.
Comment: This variant is classified as likely benign based on ACMG/AMP sequence variant interpretation guidelines (Richards et al. 2015 PMID: 25741868, with internal and published modifications).

Dr. Peter K. Rogan Lab, Western University
No classification provided (evidence only). Condition: Lung cancer. Review status: no classification provided. Collection method: in vitro. Allele origin: not applicable. Functional consequence: retained intron. Not counted in ClinVar's aggregate classification.

Dr. Peter K. Rogan Lab, Western University
No classification provided (evidence only). Condition: Familial cancer of breast. Review status: no classification provided. Collection method: in vitro. Allele origin: not applicable. Functional consequence: retained intron. Not counted in ClinVar's aggregate classification.

Dr. Peter K. Rogan Lab, Western University
No classification provided (evidence only). Condition: Cervical cancer. Review status: no classification provided. Collection method: in vitro. Allele origin: not applicable. Functional consequence: retained intron. Not counted in ClinVar's aggregate classification.

Dr. Peter K. Rogan Lab, Western University
No classification provided (evidence only). Condition: Sarcoma. Review status: no classification provided. Collection method: in vitro. Allele origin: not applicable. Functional consequence: retained intron. Not counted in ClinVar's aggregate classification.

Dr. Peter K. Rogan Lab, Western University
No classification provided (evidence only). Condition: Hepatocellular carcinoma. Review status: no classification provided. Collection method: in vitro. Allele origin: not applicable. Functional consequence: retained intron. Not counted in ClinVar's aggregate classification.

Dr. Peter K. Rogan Lab, Western University
No classification provided (evidence only). Condition: Ovarian serous cystadenocarcinoma. Review status: no classification provided. Collection method: in vitro. Allele origin: not applicable. Functional consequence: retained intron. Not counted in ClinVar's aggregate classification.

Dr. Peter K. Rogan Lab, Western University
No classification provided (evidence only). Condition: Ovarian serous cystadenocarcinoma. Review status: no classification provided. Collection method: in vitro. Allele origin: not applicable. Functional consequence: retained intron. Not counted in ClinVar's aggregate classification.